The following is an entry in ClinVar:

NM_004415.4(DSP):c.4239G>A (p.Lys1413=)

Gene: DSP (desmoplakin; plus strand). Cytogenetic location: 6p24.3.
Variant type: single nucleotide variant.
Coding change: c.4239G>A on transcript NM_004415.4 (MANE Select); coding-DNA position 4239, G replaced by A.
Protein change: p.Lys1413=; no amino-acid change (lysine 1413 retained).
Molecular consequence: synonymous variant. On other transcripts: intron variant (2).
Genome position (GRCh38, 1-based): chr6:7,580,429, G>A. VCF-style: chr6-7580429-G-A. GRCh37 (hg19) VCF-style: chr6-7580662-G-A.
Other names: c.4050+189G>A (NM_001319034.2); c.3582+657G>A (NM_001008844.3).
Identifiers: ClinVar variation 760110 (VCV000760110.10), dbSNP rs1581817246, ClinGen allele CA448714397.

ClinVar aggregate classification (germline): Likely benign. Review status: criteria provided, multiple submitters, no conflicts (2 of 4 stars). 3 submissions from 3 submitters: Likely benign (3). Last evaluated 2025-05-15.

Conditions:
Cardiovascular phenotype. Identifiers: MedGen CN230736.
Arrhythmogenic right ventricular dysplasia 8 (ARVD8). Also called: Arrhythmogenic Right Ventricular Dysplasia/Cardiomyopathy 8; ARRHYTHMOGENIC RIGHT VENTRICULAR DYSPLASIA, FAMILIAL, 8; ARRHYTHMOGENIC RIGHT VENTRICULAR CARDIOMYOPATHY 8. Identifiers: MedGen C1843896, MONDO:0011831, OMIM 607450.
Arrhythmogenic cardiomyopathy with wooly hair and keratoderma. Also called: Carvajal syndrome; PALMOPLANTAR KERATODERMA WITH LEFT VENTRICULAR CARDIOMYOPATHY AND WOOLLY HAIR; Arrhythmogenic cardiomyopathy with woolly hair and keratoderma; Dilated cardiomyopathy with woolly hair and keratoderma. Identifiers: Orphanet 65282, MedGen C1854063, MONDO:0011581, OMIM 605676.

Allele frequency attached by ClinVar (database versions not stated): gnomAD exomes below 0.00001.
gnomAD v4.1: 1 of 1,613,960 alleles (0.000062%); highest among the groups gnomAD compares: African/African-American, 0.0013%; no homozygotes.

Submissions (3):

Labcorp Genetics (formerly Invitae), Labcorp
Classification: Likely benign for Arrhythmogenic cardiomyopathy with wooly hair and keratoderma; Arrhythmogenic right ventricular dysplasia 8. Last evaluated: 2025-05-15. Review status: criteria provided, single submitter. Criteria: Invitae Variant Classification Sherloc (09022015). Collection method: clinical testing. Allele origin: germline.

All of Us Research Program, National Institutes of Health
Classification: Likely benign for Arrhythmogenic cardiomyopathy with wooly hair and keratoderma. Last evaluated: 2024-07-20. Review status: criteria provided, single submitter. Criteria: ACMG Guidelines, 2015. Collection method: clinical testing. Allele origin: germline. Inheritance: Autosomal dominant inheritance. Observed: 1 variant allele, 1 heterozygote.
Comment: This study involves interpretation of variants in research participants for the purpose of population health screening. Participant phenotype was not available at the time of variant classification. Additional details can be found in publication PMID: 35346344, PMCID: PMC8962531

Ambry Genetics
Classification: Likely benign for Cardiovascular phenotype. Last evaluated: 2024-01-11. Review status: criteria provided, single submitter. Criteria: Ambry Variant Classification Scheme 2023. Collection method: clinical testing. Allele origin: germline.